The following is an entry in ClinVar:

NM_004168.4(SDHA):c.548G>A (p.Gly183Asp)

Gene: SDHA (succinate dehydrogenase complex flavoprotein subunit A; plus strand). Cytogenetic location: 5p15.33.
Variant type: single nucleotide variant.
Coding change: c.548G>A on transcript NM_004168.4 (MANE Select); coding-DNA position 548, G replaced by A.
Protein change: p.Gly183Asp; replaces glycine 183 with aspartic acid.
Molecular consequence: missense variant.
Genome position (GRCh38, 1-based): chr5:225,974, G>A. VCF-style: chr5-225974-G-A. GRCh37 (hg19) VCF-style: chr5-226089-G-A.
Other names: c.404G>A, p.Gly135Asp (NM_001294332.2); c.548G>A, p.Gly183Asp (NM_001330758.2); c.548G>A (NM_004168.2); short protein forms G135D, G183D.
Identifiers: ClinVar variation 948035 (VCV000948035.12), dbSNP rs1734993975, ClinGen allele CA359010350.
Genomic context (GRCh38, chr5:225,974, plus strand): 5'-CTGAAGATGGGAAGATTTATCAGCGTGCATTTGGTGGACAGAGCCTCAAGTTTGGAAAGG[G>A]CGGGCAGGCCCATCGGTGCTGCTGTGTGGCTGATCGGACTGGCCACTCGCTATTGCACAC-3'
Protein context (NP_004159.2, residues 173-193): FGGQSLKFGK[Gly183Asp]GQAHRCCCVA

ClinVar aggregate classification (germline): Uncertain significance. Review status: criteria provided, multiple submitters, no conflicts (2 of 4 stars). 2 submissions from 2 submitters: Uncertain significance (2). Last evaluated 2026-06-05.

Conditions:
Hereditary cancer-predisposing syndrome. Also called: Hereditary Cancer Syndrome; Neoplastic Syndromes, Hereditary; Tumor predisposition; Hereditary neoplastic syndrome. Identifiers: Orphanet 140162, MedGen C0027672, MeSH D009386, MONDO:0015356.
Mitochondrial complex II deficiency, nuclear type 1. Also called: SUCCINATE CoQ REDUCTASE DEFICIENCY. Identifiers: Orphanet 3208, MedGen C5700310, MONDO:0100294, OMIM 252011.
Pheochromocytoma/paraganglioma syndrome 5. Also called: Paragangliomas 5; SDHA-Related Hereditary Paraganglioma-Pheochromocytoma Syndrome. Identifiers: Orphanet 29072, MedGen C3279992, MONDO:0013602, OMIM 614165.

Allele frequency attached by ClinVar (database versions not stated): gnomAD exomes below 0.00001.
gnomAD v4.1: 2 of 1,614,142 alleles (0.00012%); highest among the groups gnomAD compares: African/African-American, 0.0013%; no homozygotes.

Submissions (2):

Ambry Genetics
Classification: Uncertain significance for Hereditary cancer-predisposing syndrome. Last evaluated: 2026-06-05. Review status: criteria provided, single submitter. Criteria: Ambry Variant Classification Scheme 2023. Collection method: clinical testing. Allele origin: germline.
Comment: The p.G183D variant (also known as c.548G>A), located in coding exon 5 of the SDHA gene, results from a G to A substitution at nucleotide position 548. The glycine at codon 183 is replaced by aspartic acid, an amino acid with similar properties. This amino acid position is highly conserved in available vertebrate species. In addition, this alteration is predicted to be deleterious by in silico analysis. Based on the available evidence, the clinical significance of this variant remains unclear.

Labcorp Genetics (formerly Invitae), Labcorp
Classification: Uncertain significance for Pheochromocytoma/paraganglioma syndrome 5; Mitochondrial complex II deficiency, nuclear type 1. Last evaluated: 2025-10-17. Review status: criteria provided, single submitter. Criteria: Invitae Variant Classification Sherloc (09022015). Collection method: clinical testing. Allele origin: germline.
Comment: This sequence change replaces glycine, which is neutral and non-polar, with aspartic acid, which is acidic and polar, at codon 183 of the SDHA protein (p.Gly183Asp). This variant is not present in population databases (gnomAD no frequency). This variant has not been reported in the literature in individuals affected with SDHA-related conditions. ClinVar contains an entry for this variant (Variation ID: 948035). Invitae Evidence Modeling of protein sequence and biophysical properties (such as structural, functional, and spatial information, amino acid conservation, physicochemical variation, residue mobility, and thermodynamic stability) indicates that this missense variant is not expected to disrupt SDHA protein function with a negative predictive value of 95%. In summary, the available evidence is currently insufficient to determine the role of this variant in disease. Therefore, it has been classified as a Variant of Uncertain Significance.